The following is an entry in ClinVar:

NM_152703.5(SAMD9L):c.3230G>A (p.Arg1077Gln)

Gene: SAMD9L (sterile alpha motif domain containing 9 like; minus strand). Cytogenetic location: 7q21.2.
Variant type: single nucleotide variant.
Coding change: c.3230G>A on transcript NM_152703.5 (MANE Select); coding-DNA position 3230, G replaced by A.
Protein change: p.Arg1077Gln; replaces arginine 1077 with glutamine.
Molecular consequence: missense variant.
Genome position (GRCh38, 1-based): chr7:93,132,742, C>T on the plus strand (G>A on the coding strand, the complement: SAMD9L is on the minus strand). VCF-style: chr7-93132742-C-T. GRCh37 (hg19) VCF-style: chr7-92762055-C-T.
Other names: c.3230G>A, p.Arg1077Gln (NM_001303496.3, NM_001303497.3, NM_001303498.3 and 5 more transcripts); short protein forms R1077Q.
Identifiers: ClinVar variation 2990003 (VCV002990003.3), dbSNP rs1792187589, ClinGen allele CA368184065.

ClinVar aggregate classification (germline): Uncertain significance (1 of 4 stars; one submission).

Allele frequency attached by ClinVar (database versions not stated): gnomAD exomes below 0.00001; TOPMed below 0.00001; gnomAD 0.00001.
gnomAD v4.1: 4 of 1,613,662 alleles (0.00025%); highest among the groups gnomAD compares: South Asian, 0.0011%; no homozygotes.

Submission:

Labcorp Genetics (formerly Invitae), Labcorp
Classification: Uncertain significance. Last evaluated: 2023-10-29. Review status: criteria provided, single submitter. Criteria: Invitae Variant Classification Sherloc (09022015). Collection method: clinical testing. Allele origin: germline.
Comment: This sequence change replaces arginine, which is basic and polar, with glutamine, which is neutral and polar, at codon 1077 of the SAMD9L protein (p.Arg1077Gln). This variant is not present in population databases (gnomAD no frequency). This variant has not been reported in the literature in individuals affected with SAMD9L-related conditions. Algorithms developed to predict the effect of missense changes on protein structure and function output the following: SIFT: "Not Available"; PolyPhen-2: "Benign"; Align-GVGD: "Not Available". The glutamine amino acid residue is found in multiple mammalian species, which suggests that this missense change does not adversely affect protein function. In summary, the available evidence is currently insufficient to determine the role of this variant in disease. Therefore, it has been classified as a Variant of Uncertain Significance.